The following is an entry in ClinVar:

ClinVar aggregate classification (germline): Likely benign. Review status: criteria provided, multiple submitters, no conflicts (2 of 4 stars). 3 submissions from 3 submitters: Likely benign (3). Last evaluated 2026-02-01.

Allele frequency attached by ClinVar (database versions not stated): gnomAD exomes 0.00025 and 0.00060; gnomAD 0.00029 and 0.00039; TOPMed 0.00039; ExAC 0.00040; ESP Exome Variant Server 0.00046.
gnomAD v4.1: 917 of 1,592,522 alleles (0.058%); highest among the groups gnomAD compares: Non-Finnish European, 0.072%; 1 homozygote.

Submissions (3):

Labcorp Genetics (formerly Invitae), Labcorp
Classification: Likely benign. Last evaluated: 2026-02-01. Review status: criteria provided, single submitter. Criteria: Invitae Variant Classification Sherloc (09022015). Collection method: clinical testing. Allele origin: germline.

Blueprint Genetics
Classification: Likely benign. Last evaluated: 2024-09-10. Review status: criteria provided, single submitter. Criteria: ACMG Guidelines, 2015. Collection method: clinical testing. Allele origin: germline.

CeGaT Center for Human Genetics Tuebingen
Classification: Likely benign. Last evaluated: 2022-03-01. Review status: criteria provided, single submitter. Criteria: CeGaT Center For Human Genetics Tuebingen Variant Classification Criteria Version 2. Collection method: clinical testing. Allele origin: germline. Affected: yes. Observed: 2 variant alleles.
Comment: DCHS1: BP4, BP7

NM_003737.4(DCHS1):c.8901G>A (p.Lys2967=)

Gene: DCHS1 (dachsous cadherin-related 1; minus strand). Cytogenetic location: 11p15.4.
Variant type: single nucleotide variant.
Coding change: c.8901G>A on transcript NM_003737.4 (MANE Select); coding-DNA position 8901, G replaced by A.
Protein change: p.Lys2967=; no amino-acid change (lysine 2967 retained).
Molecular consequence: synonymous variant.
Genome position (GRCh38, 1-based): chr11:6,622,775, C>T on the plus strand (G>A on the coding strand, the complement: DCHS1 is on the minus strand). VCF-style: chr11-6622775-C-T. GRCh37 (hg19) VCF-style: chr11-6644006-C-T.
Identifiers: ClinVar variation 1013299 (VCV001013299.44), dbSNP rs140276142, ClinGen allele CA5859334.